The following is an entry in ClinVar:

NM_030665.4(RAI1):c.740A>C (p.His247Pro)

Gene: RAI1 (retinoic acid induced 1; plus strand). Cytogenetic location: 17p11.2.
Variant type: single nucleotide variant.
Coding change: c.740A>C on transcript NM_030665.4 (MANE Select); coding-DNA position 740, A replaced by C.
Protein change: p.His247Pro; replaces histidine 247 with proline.
Molecular consequence: missense variant.
Genome position (GRCh38, 1-based): chr17:17,793,688, A>C. VCF-style: chr17-17793688-A-C. GRCh37 (hg19) VCF-style: chr17-17697002-A-C.
Other names: short protein forms H247P.
Identifiers: ClinVar variation 452261 (VCV000452261.4), dbSNP rs1555564964, ClinGen allele CA398546110.

ClinVar aggregate classification (germline): Uncertain significance (1 of 4 stars; one submission).

Allele frequency attached by ClinVar (database versions not stated): TOPMed below 0.00001.

Submission:

GeneDx
Classification: Uncertain significance. Last evaluated: 2026-08-28. Review status: criteria provided, single submitter. Criteria: GeneDx Variant Classification Process June 2021. Collection method: clinical testing. Allele origin: germline.
Comment: Not observed at significant frequency in large population cohorts (gnomAD); In silico analysis supports that this missense variant has a deleterious effect on protein structure/function; Has not been previously published as pathogenic or benign to our knowledge